The following is an entry in ClinVar:

NM_181882.3(PRX):c.4172G>C (p.Arg1391Pro)

Gene: PRX (periaxin; minus strand). Cytogenetic location: 19q13.2.
Variant type: single nucleotide variant.
Coding change: c.4172G>C on transcript NM_181882.3 (MANE Select); coding-DNA position 4172, G replaced by C.
Protein change: p.Arg1391Pro; replaces arginine 1391 with proline.
Molecular consequence: missense variant. On other transcripts: 3 prime UTR variant (1).
Genome position (GRCh38, 1-based): chr19:40,394,180, C>G on the plus strand (G>C on the coding strand, the complement: PRX is on the minus strand). VCF-style: chr19-40394180-C-G. GRCh37 (hg19) VCF-style: chr19-40900087-C-G.
Other names: c.*4377G>C (NM_020956.2); short protein forms R1391P.
Identifiers: ClinVar variation 1019032 (VCV001019032.6), dbSNP rs917161355, ClinGen allele CA405890437.

ClinVar aggregate classification (germline): Uncertain significance (1 of 4 stars; one submission).

Conditions:
Charcot-Marie-Tooth disease type 4. Also called: Charcot-Marie-Tooth, Type 4; Charcot-Marie-Tooth disease, type IV. Identifiers: Orphanet 64749, MedGen C4082197, MONDO:0018995.

Submission:

Labcorp Genetics (formerly Invitae), Labcorp
Classification: Uncertain significance for Charcot-Marie-Tooth disease type 4. Last evaluated: 2021-08-26. Review status: criteria provided, single submitter. Criteria: Invitae Variant Classification Sherloc (09022015). Collection method: clinical testing. Allele origin: germline.
Comment: This sequence change replaces arginine with proline at codon 1391 of the PRX protein (p.Arg1391Pro). The arginine residue is moderately conserved and there is a moderate physicochemical difference between arginine and proline. This variant is not present in population databases (ExAC no frequency). This variant has not been reported in the literature in individuals affected with PRX-related conditions. Algorithms developed to predict the effect of missense changes on protein structure and function (SIFT, PolyPhen-2, Align-GVGD) all suggest that this variant is likely to be tolerated. In summary, the available evidence is currently insufficient to determine the role of this variant in disease. Therefore, it has been classified as a Variant of Uncertain Significance.